The following is an entry in ClinVar:

ClinVar aggregate classification (germline): Pathogenic (0 of 4 stars; one submission).

Conditions:
SPTB-related disorder. Also called: SPTB-related condition; SPTB-Related Disorders.

Submission:

PreventionGenetics, part of Exact Sciences
Classification: Pathogenic for SPTB-related condition. Last evaluated: 2024-03-23. Review status: no assertion criteria provided. Collection method: clinical testing. Allele origin: germline.
Comment: The SPTB c.847delC variant is predicted to result in a frameshift and premature protein termination (p.Leu283Trpfs*21). To our knowledge, this variant has not been reported in the literature or in a large population database, indicating this variant is rare. Frameshift variants in SPTB are expected to be pathogenic. This variant is interpreted as pathogenic.

NM_001355436.2(SPTB):c.847del (p.Leu283fs)

Gene: SPTB (spectrin beta, erythrocytic; minus strand). Cytogenetic location: 14q23.3.
Variant type: Deletion.
Coding change: c.847del on transcript NM_001355436.2 (MANE Select); coding-DNA position 847, one base deleted (C; older notation c.847delC).
Protein change: p.Leu283fs; shifts the reading frame from leucine 283.
Molecular consequence: frameshift variant.
Genome position (GRCh38, 1-based): chr14:64,800,785, G deleted on the plus strand (C on the coding strand, the reverse complement: SPTB is on the minus strand). VCF-style (leftmost placement, unchanged base first): chr14-64800784-AG-A. GRCh37 (hg19) VCF-style: chr14-65267502-AG-A.
Other names: c.847del, p.Leu283fs (NM_001024858.4, NM_001355437.2); short protein forms L283fs.
Identifiers: ClinVar variation 3350008 (VCV003350008.1).
Genomic context (GRCh38, chr14:64,800,784, plus strand): 5'-GAGTGACACTTTGGTTCCAAAACAGCTTGTACCTTGCCGACACGCTTGCCCTCCACTGCC[AG>A]CACCTTCATCTTGGAGAAGTAGTGGTAAAAGGCCACCACATAGGTGATGATGGATTTCTC-3'